The following is an entry in ClinVar:

NM_001278431.2(C1QTNF5):c.310T>C (p.Ser104Pro)

Genes: C1QTNF5 (C1q and TNF related 5; minus strand), MFRP (membrane frizzled-related protein; minus strand). Cytogenetic location: 11q23.3.
Variant type: single nucleotide variant.
Coding change: c.310T>C on transcript NM_001278431.2 (MANE Select); coding-DNA position 310, T replaced by C.
Protein change: p.Ser104Pro; replaces serine 104 with proline.
Molecular consequence: missense variant. On other transcripts: 3 prime UTR variant (1).
Genome position (GRCh38, 1-based): chr11:119,339,753, A>G on the plus strand (T>C on the coding strand, the complement: C1QTNF5 is on the minus strand). VCF-style: chr11-119339753-A-G. GRCh37 (hg19) VCF-style: chr11-119210463-A-G.
Other names: c.310T>C, p.Ser104Pro (NM_015645.5); c.*1206T>C (NM_031433.4); short protein forms S104P.
Identifiers: ClinVar variation 3544462 (VCV003544462.1).

ClinVar aggregate classification (germline): Uncertain significance (1 of 4 stars; one submission).

Conditions:
Retinitis pigmentosa (RP). Identifiers: Orphanet 791, MedGen C0035334, MeSH D012174, MONDO:0019200, OMIM 268000. Inheritance: Autosomal dominant, autosomal recessive and X linked inheritance.

gnomAD v4.1: 1 of 1,592,492 alleles (0.000063%); highest among the groups gnomAD compares: Non-Finnish European, 0.000085%; no homozygotes.

Submission:

Lab De Baere, Eye and Developmental Genetics Lab, Ghent University
Classification: Uncertain significance for Retinitis pigmentosa. Last evaluated: 2024-10-01. Review status: criteria provided, single submitter. Criteria: ACMG Guidelines, 2015. Collection method: research. Allele origin: inherited. Affected: yes. Observed: 1 variant allele.
Comment: ACMG/AMP guidelines: PM2, PP3